The following is an entry in ClinVar:

NM_024642.5(GALNT12):c.806G>T (p.Gly269Val)

Gene: GALNT12 (polypeptide N-acetylgalactosaminyltransferase 12; plus strand). Cytogenetic location: 9q22.33.
Variant type: single nucleotide variant.
Coding change: c.806G>T on transcript NM_024642.5 (MANE Select); coding-DNA position 806, G replaced by T.
Protein change: p.Gly269Val; replaces glycine 269 with valine.
Molecular consequence: missense variant.
Genome position (GRCh38, 1-based): chr9:98,831,846, G>T. VCF-style: chr9-98831846-G-T. GRCh37 (hg19) VCF-style: chr9-101594128-G-T.
Other names: short protein forms G269V.
Identifiers: ClinVar variation 5022152 (VCV005022152.1).

ClinVar aggregate classification (germline): Uncertain significance (1 of 4 stars; one submission).

Submission:

Ambry Genetics
Classification: Uncertain significance. Last evaluated: 2026-08-15. Review status: criteria provided, single submitter. Criteria: Ambry Variant Classification Scheme 2023. Collection method: clinical testing. Allele origin: germline.
Comment: The p.G269V variant (also known as c.806G>T), located in coding exon 4 of the GALNT12 gene, results from a G to T substitution at nucleotide position 806. The glycine at codon 269 is replaced by valine, an amino acid with dissimilar properties. This amino acid position is conserved. In addition, this alteration is predicted to be deleterious by in silico analysis. Based on the available evidence, the clinical significance of this variant remains unclear.